The following is an entry in ClinVar:

NM_000053.4(ATP7B):c.1028C>G (p.Ser343Cys)

Gene: ATP7B (ATPase copper transporting beta; minus strand). Cytogenetic location: 13q14.3.
Variant type: single nucleotide variant.
Coding change: c.1028C>G on transcript NM_000053.4 (MANE Select); coding-DNA position 1028, C replaced by G.
Protein change: p.Ser343Cys; replaces serine 343 with cysteine.
Molecular consequence: missense variant. On other transcripts: intron variant (1).
Genome position (GRCh38, 1-based): chr13:51,974,192, G>C on the plus strand (C>G on the coding strand, the complement: ATP7B is on the minus strand). VCF-style: chr13-51974192-G-C. GRCh37 (hg19) VCF-style: chr13-52548328-G-C.
Other names: c.1028C>G, p.Ser343Cys (NM_001005918.3, NM_001330578.2, NM_001330579.2 and 29 more transcripts); c.932C>G, p.Ser311Cys (NM_001406517.1, NM_001406518.1, NM_001406536.1 and 3 more transcripts); c.803-108C>G (NM_001243182.2); short protein forms S343C, S311C.
Identifiers: ClinVar variation 2077120 (VCV002077120.1), dbSNP rs919003771, ClinGen allele CA388039441.

ClinVar aggregate classification (germline): Uncertain significance (1 of 4 stars; one submission).

Conditions:
Wilson disease (WND). Also called: Wilson's disease. Identifiers: Orphanet 905, MedGen C0019202, MONDO:0010200, OMIM 277900. Disease mechanism: loss of function.

Allele frequency attached by ClinVar (database versions not stated): TOPMed below 0.00001.

Submission:

Labcorp Genetics (formerly Invitae), Labcorp
Classification: Uncertain significance for Wilson disease. Last evaluated: 2022-03-24. Review status: criteria provided, single submitter. Criteria: Invitae Variant Classification Sherloc (09022015). Collection method: clinical testing. Allele origin: germline.
Comment: This sequence change replaces serine, which is neutral and polar, with cysteine, which is neutral and slightly polar, at codon 343 of the ATP7B protein (p.Ser343Cys). This variant is not present in population databases (gnomAD no frequency). This variant has not been reported in the literature in individuals affected with ATP7B-related conditions. Advanced modeling of protein sequence and biophysical properties (such as structural, functional, and spatial information, amino acid conservation, physicochemical variation, residue mobility, and thermodynamic stability) performed at Invitae indicates that this missense variant is not expected to disrupt ATP7B protein function. In summary, the available evidence is currently insufficient to determine the role of this variant in disease. Therefore, it has been classified as a Variant of Uncertain Significance.